The following is an entry in ClinVar:

ClinVar aggregate classification (germline): Benign. Review status: criteria provided, multiple submitters, no conflicts (2 of 4 stars). 10 submissions from 10 submitters: Benign (7). 3 of the submissions do not count toward it. Last evaluated 2026-02-04.

Conditions:
Inborn genetic diseases. Identifiers: MedGen C0950123, MeSH D030342.
Late-infantile neuronal ceroid lipofuscinosis. Also called: Jansky-Bielschowsky disease. Identifiers: MedGen C0022340, MONDO:0015674.
Neuronal ceroid lipofuscinosis 7 (CLN7). Also called: MFSD8-Related Neuronal Ceroid-Lipofuscinosis. Identifiers: Orphanet 168491, Orphanet 228366, MedGen C1838571, MONDO:0012588, OMIM 610951.

Allele frequency attached by ClinVar (database versions not stated): ExAC 0.06137; gnomAD exomes 0.06584; ESP Exome Variant Server 0.07058; gnomAD 0.08054 and 0.08088; TOPMed 0.09073; 1000 Genomes Project 30x 0.12258; 1000 Genomes Project 0.12280.
gnomAD v4.1: 58,736 of 1,614,074 alleles (3.6%); highest among the groups gnomAD compares: East Asian, 29%; 4,091 homozygotes.

Submissions (10):

Labcorp Genetics (formerly Invitae), Labcorp
Classification: Benign for Neuronal ceroid lipofuscinosis 7. Last evaluated: 2026-02-04. Review status: criteria provided, single submitter. Criteria: Invitae Variant Classification Sherloc (09022015). Collection method: clinical testing. Allele origin: germline.

Unidad de Genómica Garrahan, Hospital de Pediatría Garrahan
Classification: Benign. Last evaluated: 2024-07-15. Review status: criteria provided, single submitter. Criteria: ACMG Guidelines, 2015. Collection method: clinical testing. Allele origin: germline. Affected: no. Observed: 20 variant alleles.
Comment: This variant is classified as Benign based on local population frequency. This variant was detected in 22% of patients studied in a panel designed for Epileptic and Developmental Encephalopathy and Progressive Myoclonus Epilepsy. Number of patients: 20. Only high quality variants are reported.

Illumina Laboratory Services, Illumina
Classification: Benign for Neuronal ceroid lipofuscinosis 7. Last evaluated: 2018-01-13. Review status: criteria provided, single submitter. Criteria: ICSL Variant Classification Criteria 13 December 2019. Collection method: clinical testing. Allele origin: germline.
Comment: This variant was observed in the ICSL laboratory as part of a predisposition screen in an ostensibly healthy population. It had not been previously curated by ICSL or reported in the Human Gene Mutation Database (HGMD: prior to June 1st, 2018), and was therefore a candidate for classification through an automated scoring system. Utilizing variant allele frequency, disease prevalence and penetrance estimates, and inheritance mode, an automated score was calculated to assess if this variant is too frequent to cause the disease. Based on the score and internal cut-off values, a variant classified as benign is not then subjected to further curation. The score for this variant resulted in a classification of benign for this disease.

Ambry Genetics
Classification: Benign for Inborn genetic diseases. Last evaluated: 2016-03-02. Review status: criteria provided, single submitter. Criteria: Ambry Variant Classification Scheme 2023. Collection method: clinical testing. Allele origin: germline.

GeneDx
Classification: Benign. Last evaluated: 2013-06-05. Review status: criteria provided, single submitter. Criteria: GeneDx Variant Classification (06012015). Collection method: clinical testing. Allele origin: germline. Affected: yes.
Comment: This variant is considered likely benign or benign based on one or more of the following criteria: it is a conservative change, it occurs at a poorly conserved position in the protein, it is predicted to be benign by multiple in silico algorithms, and/or has population frequency not consistent with disease.

Breakthrough Genomics
Classification: Benign. Review status: criteria provided, single submitter. Criteria: ACMG Guidelines, 2015. Collection method: not provided. Allele origin: germline. Inheritance: Autosomal recessive inheritance. Affected: yes.

PreventionGenetics, part of Exact Sciences
Classification: Benign. Review status: criteria provided, single submitter. Criteria: ACMG Guidelines, 2015. Collection method: clinical testing. Allele origin: germline.

Natera, Inc.
Classification: Benign for Late-infantile neuronal ceroid lipofuscinosis. Last evaluated: 2020-09-16. Review status: no assertion criteria provided. Collection method: clinical testing. Allele origin: germline. Not counted in ClinVar's aggregate classification.

Mayo Clinic Laboratories, Mayo Clinic
Classification: Benign. Last evaluated: 2015-12-16. Review status: no assertion criteria provided. Collection method: clinical testing. Allele origin: unknown. Not counted in ClinVar's aggregate classification.

Genetic Services Laboratory, University of Chicago
Classification: Likely benign for AllHighlyPenetrant. Review status: no assertion criteria provided. Collection method: clinical testing. Allele origin: germline. Inheritance: Autosomal recessive inheritance. Not counted in ClinVar's aggregate classification.
Comment: Likely benign based on allele frequency in 1000 Genomes Project or ESP global frequency and its presence in a patient with a rare or unrelated disease phenotype. NOT Sanger confirmed.

NM_001371596.2(MFSD8):c.1268C>T (p.Ala423Val)

Gene: MFSD8 (major facilitator superfamily domain containing 8; minus strand). Cytogenetic location: 4q28.2.
Variant type: single nucleotide variant.
Coding change: c.1268C>T on transcript NM_001371596.2 (MANE Select); coding-DNA position 1268, C replaced by T.
Protein change: p.Ala423Val; replaces alanine 423 with valine.
Molecular consequence: missense variant.
Genome position (GRCh38, 1-based): chr4:127,921,606, G>A on the plus strand (C>T on the coding strand, the complement: MFSD8 is on the minus strand). VCF-style: chr4-127921606-G-A. GRCh37 (hg19) VCF-style: chr4-128842761-G-A.
Other names: p.A423V:GCT>GTT; c.1067C>T, p.Ala356Val (NM_001363520.3); c.953C>T, p.Ala318Val (NM_001363521.3); c.1133C>T, p.Ala378Val (NM_001371590.2); c.1268C>T, p.Ala423Val (NM_001371591.2, NM_152778.4); c.1274C>T, p.Ala425Val (NM_001371592.2); c.1154C>T, p.Ala385Val (NM_001371593.2); c.1121C>T, p.Ala374Val (NM_001371594.2); and 3 more; short protein forms A423V, A356V, A318V, A329V, A374V, A378V, A385V, A425V.
Identifiers: ClinVar variation 129609 (VCV000129609.27), dbSNP rs3733319, ClinGen allele CA288960.
Genomic context (GRCh38, chr4:127,921,606, plus strand): 5'-TTTGAATATAGAGTATAGGACATAAGATTGCAGACTGGATAGCCTAATCCTATTAGCACA[G>A]CTGATGTAAGGAACTGGGCCAGATGAATCACCGGGGTGTAGAGGCACCAGGCTTGTTCAA-3'
Protein context (NP_001358525.1, residues 413-433): VIHLAQFLTS[Ala423Val]VLIGLGYPVC